The following is an entry in ClinVar:

ClinVar aggregate classification (germline): Pathogenic. Review status: criteria provided, multiple submitters, no conflicts (2 of 4 stars). 3 submissions from 3 submitters: Pathogenic (2). 1 of the submissions does not count toward it. Last evaluated 2024-04-01.

Conditions:
Alkaptonuria (AKU). Also called: HOMOGENTISIC ACID OXIDASE DEFICIENCY; Alcaptonuria; Homogentisic acidura; Alkaptonuric ochronosis. Identifiers: Orphanet 56, MedGen C0002066, MONDO:0008753, OMIM 203500.

Submissions (3):

Fulgent Genetics
Classification: Pathogenic for Alkaptonuria. Last evaluated: 2024-04-01. Review status: criteria provided, single submitter. Criteria: ACMG Guidelines, 2015. Collection method: clinical testing. Allele origin: germline.

Labcorp Genetics (formerly Invitae), Labcorp
Classification: Pathogenic for Alkaptonuria. Last evaluated: 2023-11-27. Review status: criteria provided, single submitter. Criteria: Invitae Variant Classification Sherloc (09022015). Collection method: clinical testing. Allele origin: germline.
Comment: This sequence change creates a premature translational stop signal (p.Arg197Glyfs*32) in the HGD gene. It is expected to result in an absent or disrupted protein product. Loss-of-function variants in HGD are known to be pathogenic (PMID: 12501223, 19862842). This variant is present in population databases (no rsID available, gnomAD 0.0009%). This premature translational stop signal has been observed in individual(s) with alkaptonuria (PMID: 11001939). This variant is also known as T196fs and C754delC. ClinVar contains an entry for this variant (Variation ID: 2200215). Algorithms developed to predict the effect of sequence changes on RNA splicing suggest that this variant may disrupt the consensus splice site. For these reasons, this variant has been classified as Pathogenic.

Department Of Human Genetics, Institute Of Clinical And Translational Research, Biomedical Research Center, Slovak Academy Of Sciences
Classification: Pathogenic for Alkaptonuria. Review status: no assertion criteria provided. Collection method: research. Allele origin: germline. Inheritance: Autosomal recessive inheritance. Affected: yes. Observed: 3 variant alleles. Not counted in ClinVar's aggregate classification.
Comment: The variant was originally described in AKU patient in PMID:11001939. It has been submitted to the HGD gene mutation database (DB-ID: AKU_00063).

Literature cited by the submitters: PubMed 12501223 (cited by Labcorp Genetics (formerly Invitae), Labcorp); PubMed 19862842 (cited by Labcorp Genetics (formerly Invitae), Labcorp); PubMed 11001939 (cited by Labcorp Genetics (formerly Invitae), Labcorp and Department Of Human Genetics, Institute Of Clinical And Translational Research, Biomedical Research Center, Slovak Academy Of Sciences).

NM_000187.4(HGD):c.588del (p.Arg197fs)

Gene: HGD (homogentisate 1,2-dioxygenase; minus strand). Cytogenetic location: 3q13.33.
Variant type: Deletion.
Coding change: c.588del on transcript NM_000187.4 (MANE Select); coding-DNA position 588, one base deleted (C; older notation c.588delC).
Protein change: p.Arg197fs; shifts the reading frame from arginine 197.
Molecular consequence: frameshift variant.
Genome position (GRCh38, 1-based): chr3:120,646,328, G deleted on the plus strand (C on the coding strand, the reverse complement: HGD is on the minus strand); the first of 2 consecutive G bases (chr3:120,646,328-120,646,329); deleting either gives the same sequence. VCF-style (leftmost placement, unchanged base first): chr3-120646327-TG-T. GRCh37 (hg19) VCF-style: chr3-120365174-TG-T.
Other names: c.588delC (NM_000187.4); short protein forms R197fs.
Identifiers: ClinVar variation 2200215 (VCV002200215.6), dbSNP rs1257970701, ClinGen allele CA545609150.